The following is an entry in ClinVar:

ClinVar aggregate classification (germline): Pathogenic (1 of 4 stars; one submission).

Submission:

GeneDx
Classification: Pathogenic. Last evaluated: 2026-03-17. Review status: criteria provided, single submitter. Criteria: GeneDx Variant Classification Process June 2021. Collection method: clinical testing. Allele origin: germline.
Comment: Observed in two individuals with pulmonary arterial hypertension (PMID: 31727138); Frameshift variant predicted to result in protein truncation or nonsense mediated decay in a gene for which loss of function is a known mechanism of disease; Not observed at significant frequency in large population cohorts (gnomAD); This variant is associated with the following publications: (PMID: 31727138)

NM_001204.7(BMPR2):c.344del (p.Phe115fs)

Gene: BMPR2 (bone morphogenetic protein receptor type 2; plus strand). Cytogenetic location: 2q33.1.
Variant type: Deletion.
Coding change: c.344del on transcript NM_001204.7 (MANE Select); coding-DNA position 344, one base deleted (T; older notation c.344delT).
Protein change: p.Phe115fs; shifts the reading frame from phenylalanine 115.
Molecular consequence: frameshift variant.
Genome position (GRCh38, 1-based): chr2:202,467,615, T deleted; the last of 3 consecutive T bases (chr2:202,467,613-202,467,615); deleting any one gives the same sequence. VCF-style (leftmost placement, unchanged base first): chr2-202467612-GT-G. GRCh37 (hg19) VCF-style: chr2-203332335-GT-G.
Other names: c.344delT, p.Phe115Serfs (NM_001204.6); short protein forms F115fs.
Identifiers: ClinVar variation 3375763 (VCV003375763.2).
Genomic context (GRCh38, chr2:202,467,612, plus strand): 5'-GTCACTATGAAGAATGTGTAGTAACTACCACTCCTCCCTCAATTCAGAATGGAACATACC[GT>G]TTCTGCTGTTGTAGCACAGATTTATGTAATGTCAACTTTACTGAGAATTTTCCACCTCCT-3'